The following is an entry in ClinVar:

NM_005343.4(HRAS):c.107T>C (p.Ile36Thr)

Genes: HRAS (HRas proto-oncogene, GTPase; minus strand), LRRC56 (leucine rich repeat containing 56; plus strand). Cytogenetic location: 11p15.5.
Variant type: single nucleotide variant.
Coding change: c.107T>C on transcript NM_005343.4 (MANE Select); coding-DNA position 107, T replaced by C.
Protein change: p.Ile36Thr; replaces isoleucine 36 with threonine.
Molecular consequence: missense variant. On other transcripts: 5 prime UTR variant (1).
Genome position (GRCh38, 1-based): chr11:534,216, A>G on the plus strand (T>C on the coding strand, the complement: HRAS is on the minus strand). VCF-style: chr11-534216-A-G. GRCh37 (hg19) VCF-style: chr11-534216-A-G.
Other names: c.107T>C, p.Ile36Thr (NM_001130442.3, NM_176795.5); c.-213T>C (NM_001318054.2); short protein forms I36T.
Identifiers: ClinVar variation 1355749 (VCV001355749.6), dbSNP rs775056058, ClinGen allele CA216883279.

ClinVar aggregate classification (germline): Uncertain significance (1 of 4 stars; one submission).

Conditions:
Costello syndrome (CSTLO). Also called: FCS SYNDROME; FACIOCUTANEOSKELETAL SYNDROME; HRAS-Related Costello Syndrome. Identifiers: Orphanet 3071, MedGen C0587248, MONDO:0009026, OMIM 218040.

Allele frequency attached by ClinVar (database versions not stated): gnomAD exomes below 0.00001.
gnomAD v4.1: 3 of 1,610,908 alleles (0.00019%); highest among the groups gnomAD compares: Non-Finnish European, 0.00025%; no homozygotes.

Submission:

Labcorp Genetics (formerly Invitae), Labcorp
Classification: Uncertain significance for Costello syndrome. Last evaluated: 2023-02-03. Review status: criteria provided, single submitter. Criteria: Invitae Variant Classification Sherloc (09022015). Collection method: clinical testing. Allele origin: germline.
Comment: ClinVar contains an entry for this variant (Variation ID: 1355749). This variant has not been reported in the literature in individuals affected with HRAS-related conditions. This variant is not present in population databases (gnomAD no frequency). This sequence change replaces isoleucine, which is neutral and non-polar, with threonine, which is neutral and polar, at codon 36 of the HRAS protein (p.Ile36Thr). Advanced modeling of protein sequence and biophysical properties (such as structural, functional, and spatial information, amino acid conservation, physicochemical variation, residue mobility, and thermodynamic stability) performed at Invitae indicates that this missense variant is expected to disrupt HRAS protein function. In summary, the available evidence is currently insufficient to determine the role of this variant in disease. Therefore, it has been classified as a Variant of Uncertain Significance.